The following is an entry in ClinVar:

ClinVar aggregate classification (germline): Uncertain significance (1 of 4 stars; one submission).

Submission:

Labcorp Genetics (formerly Invitae), Labcorp
Classification: Uncertain significance. Last evaluated: 2021-02-28. Review status: criteria provided, single submitter. Criteria: Invitae Variant Classification Sherloc (09022015). Collection method: clinical testing. Allele origin: germline.
Comment: This variant is not present in population databases (ExAC no frequency). This sequence change replaces tyrosine with histidine at codon 488 of the RAI1 protein (p.Tyr488His). The tyrosine residue is highly conserved and there is a moderate physicochemical difference between tyrosine and histidine. This variant has not been reported in the literature in individuals with RAI1-related conditions. Algorithms developed to predict the effect of missense changes on protein structure and function (SIFT, PolyPhen-2, Align-GVGD) all suggest that this variant is likely to be disruptive, but these predictions have not been confirmed by published functional studies and their clinical significance is uncertain. In summary, the available evidence is currently insufficient to determine the role of this variant in disease. Therefore, it has been classified as a Variant of Uncertain Significance.

NM_030665.4(RAI1):c.1462T>C (p.Tyr488His)

Gene: RAI1 (retinoic acid induced 1; plus strand). Cytogenetic location: 17p11.2.
Variant type: single nucleotide variant.
Coding change: c.1462T>C on transcript NM_030665.4 (MANE Select); coding-DNA position 1462, T replaced by C.
Protein change: p.Tyr488His; replaces tyrosine 488 with histidine.
Molecular consequence: missense variant.
Genome position (GRCh38, 1-based): chr17:17,794,410, T>C. VCF-style: chr17-17794410-T-C. GRCh37 (hg19) VCF-style: chr17-17697724-T-C.
Other names: short protein forms Y488H.
Identifiers: ClinVar variation 1510846 (VCV001510846.8), dbSNP rs2143001943, ClinGen allele CA398548239.